The following is an entry in ClinVar:

ClinVar aggregate classification (germline): Likely benign. Review status: criteria provided, multiple submitters, no conflicts (2 of 4 stars). 2 submissions from 2 submitters: Likely benign (2). Last evaluated 2025-03-19.

Conditions:
Neuronal ceroid lipofuscinosis. Also called: Neuronal Ceroid Lipofuscinoses. Identifiers: Orphanet 216, Orphanet 79263, MedGen C0027877, MONDO:0016295. Disease mechanism: loss of function.

Allele frequency attached by ClinVar (database versions not stated): gnomAD exomes below 0.00001 and 0.00001; ExAC 0.00001; TOPMed 0.00002.

Submissions (2):

Labcorp Genetics (formerly Invitae), Labcorp
Classification: Likely benign for Neuronal ceroid lipofuscinosis. Last evaluated: 2025-03-19. Review status: criteria provided, single submitter. Criteria: Invitae Variant Classification Sherloc (09022015). Collection method: clinical testing. Allele origin: germline.

GeneDx
Classification: Likely benign. Last evaluated: 2016-08-08. Review status: criteria provided, single submitter. Criteria: GeneDx Variant Classification (06012015). Collection method: clinical testing. Allele origin: germline. Affected: yes.
Comment: This variant is considered likely benign or benign based on one or more of the following criteria: it is a conservative change, it occurs at a poorly conserved position in the protein, it is predicted to be benign by multiple in silico algorithms, and/or has population frequency not consistent with disease.

NM_001042432.2(CLN3):c.1198-17G>A

Gene: CLN3 (CLN3 lysosomal/endosomal transmembrane protein, battenin; minus strand). Cytogenetic location: 16p12.1.
Variant type: single nucleotide variant.
Coding change: c.1198-17G>A on transcript NM_001042432.2 (MANE Select); 17 bases into the intron before coding-DNA position 1198, G replaced by A.
Molecular consequence: intron variant.
Genome position (GRCh38, 1-based): chr16:28,477,652, C>T on the plus strand (G>A on the coding strand, the complement: CLN3 is on the minus strand). VCF-style: chr16-28477652-C-T. GRCh37 (hg19) VCF-style: chr16-28488973-C-T.
Other names: c.964-17G>A (NM_001286109.2); c.1126-17G>A (NM_001286104.2); c.898-17G>A (NM_001286105.2); c.1036-17G>A (NM_001286110.2); c.1198-17G>A (NM_000086.2).
Identifiers: ClinVar variation 388427 (VCV000388427.8), dbSNP rs749612121, ClinGen allele CA7980650.